The following is an entry in ClinVar:

ClinVar aggregate classification (germline): Benign. Review status: criteria provided, multiple submitters, no conflicts (2 of 4 stars). 2 submissions from 2 submitters: Benign (2). Last evaluated 2026-09-01.

Conditions:
KBG syndrome (KBGS). Also called: ANKRD11-Related KBG Syndrome. Identifiers: Orphanet 2332, MedGen C0220687, MONDO:0007846, OMIM 148050.

Allele frequency attached by ClinVar (database versions not stated): ExAC 0.00122; 1000 Genomes Project 0.00140; 1000 Genomes Project 30x 0.00156; gnomAD exomes 0.00422 and 0.00498; gnomAD 0.00431 and 0.00482; TOPMed 0.00492.
gnomAD v4.1: 2,172 of 444,316 alleles (0.49%); highest among the groups gnomAD compares: Non-Finnish European, 0.66%; 10 homozygotes.

Submissions (2):

CeGaT Center for Human Genetics Tuebingen
Classification: Benign. Last evaluated: 2026-09-01. Review status: criteria provided, single submitter. Criteria: CeGaT Center For Human Genetics Tuebingen Variant Classification Criteria Version 2. Collection method: clinical testing. Allele origin: germline. Affected: yes. Observed: 17 variant alleles.
Comment: ANKRD11: BS1, BS2

Labcorp Genetics (formerly Invitae), Labcorp
Classification: Benign for KBG syndrome. Last evaluated: 2025-09-02. Review status: criteria provided, single submitter. Criteria: Invitae Variant Classification Sherloc (09022015). Collection method: clinical testing. Allele origin: germline.

NM_013275.6(ANKRD11):c.-137A>G

Gene: ANKRD11 (ankyrin repeat domain 11; minus strand). Cytogenetic location: 16q24.3.
Variant type: single nucleotide variant.
Coding change: c.-137A>G on transcript NM_013275.6 (MANE Select); 137 bases upstream of the start codon, A replaced by G.
Molecular consequence: 5 prime UTR variant. On other transcripts: non-coding transcript variant (1).
Genome position (GRCh38, 1-based): chr16:89,418,361, T>C on the plus strand (A>G on the coding strand, the complement: ANKRD11 is on the minus strand). VCF-style: chr16-89418361-T-C. GRCh37 (hg19) VCF-style: chr16-89484769-T-C.
Other names: c.-137A>G (NM_001256182.2); c.-134A>G (NM_001256183.2).
Identifiers: ClinVar variation 1665862 (VCV001665862.14), dbSNP rs75012888, ClinGen allele CA8243353.